The following is an entry in ClinVar:

ClinVar aggregate classification (germline): Conflicting classifications of pathogenicity. Review status: criteria provided, conflicting classifications (1 of 4 stars). 2 submissions from 2 submitters: Likely pathogenic (1); Uncertain significance (1). Last evaluated 2026-05-08.

Conditions:
PKHD1-related disorder. Also called: PKHD1-related condition.
Autosomal recessive polycystic kidney disease (ARPKD). Also called: AR polycystic kidney disease. Identifiers: Orphanet 731, Orphanet 8378, MedGen C0085548, MeSH D017044, MONDO:0009889.

Allele frequency attached by ClinVar (database versions not stated): ExAC 0.00001; TOPMed 0.00002; gnomAD 0.00003.
gnomAD v4.1: 38 of 1,611,720 alleles (0.0024%); highest among the groups gnomAD compares: Non-Finnish European, 0.0031%; no homozygotes.

Submissions (2):

PreventionGenetics, part of Exact Sciences
Classification: Uncertain significance for PKHD1-related condition. Last evaluated: 2026-05-08. Review status: criteria provided, single submitter. Criteria: ACMG Guidelines, 2015. Collection method: clinical testing. Allele origin: germline.
Comment: The PKHD1 c.6793C>T variant is predicted to result in the amino acid substitution p.His2265Tyr. To our knowledge, this variant has not been reported in the literature. This variant is reported in 0.0062% of alleles in individuals of European (Non-Finnish) descent in gnomAD and has conflicting interpretations in ClinVar ranging from uncertain to likely pathogenic in ClinVar (Variation ID: 1946278). Another change at this amino acid residue, p.His2265Leu, has been reported in compound heterozygous state in two individuals with polycystic kidney disease (Ishiko et al. 2021. PubMed ID: 34536170) and is interpreted as pathogenic/likely pathogenic in ClinVar (Variation ID: 2142127). At this time, the clinical significance of p.His2265Tyr is uncertain due to the absence of conclusive functional and genetic evidence.

Labcorp Genetics (formerly Invitae), Labcorp
Classification: Likely pathogenic for Autosomal recessive polycystic kidney disease. Last evaluated: 2025-01-28. Review status: criteria provided, single submitter. Criteria: Invitae Variant Classification Sherloc (09022015). Collection method: clinical testing. Allele origin: germline.
Comment: This sequence change replaces histidine, which is basic and polar, with tyrosine, which is neutral and polar, at codon 2265 of the PKHD1 protein (p.His2265Tyr). This variant is present in population databases (rs773880430, gnomAD 0.006%). This variant has not been reported in the literature in individuals affected with PKHD1-related conditions. ClinVar contains an entry for this variant (Variation ID: 1946278). Invitae Evidence Modeling of protein sequence and biophysical properties (such as structural, functional, and spatial information, amino acid conservation, physicochemical variation, residue mobility, and thermodynamic stability) indicates that this missense variant is expected to disrupt PKHD1 protein function with a positive predictive value of 95%. This variant disrupts the p.His2265 amino acid residue in PKHD1. Other variant(s) that disrupt this residue have been determined to be pathogenic (PMID: 34536170). This suggests that this residue is clinically significant, and that variants that disrupt this residue are likely to be disease-causing. In summary, the currently available evidence indicates that the variant is pathogenic, but additional data are needed to prove that conclusively. Therefore, this variant has been classified as Likely Pathogenic.

Literature cited by the submitters: PubMed 34536170 (cited by Labcorp Genetics (formerly Invitae), Labcorp).

NM_138694.4(PKHD1):c.6793C>T (p.His2265Tyr)

Gene: PKHD1 (PKHD1 ciliary IPT domain containing fibrocystin/polyductin; minus strand). Cytogenetic location: 6p12.2.
Variant type: single nucleotide variant.
Coding change: c.6793C>T on transcript NM_138694.4 (MANE Select); coding-DNA position 6793, C replaced by T.
Protein change: p.His2265Tyr; replaces histidine 2265 with tyrosine.
Molecular consequence: missense variant.
Genome position (GRCh38, 1-based): chr6:51,906,230, G>A on the plus strand (C>T on the coding strand, the complement: PKHD1 is on the minus strand). VCF-style: chr6-51906230-G-A. GRCh37 (hg19) VCF-style: chr6-51771028-G-A.
Other names: c.6793C>T (NM_138694.3); c.6793C>T, p.His2265Tyr (NM_170724.3); short protein forms H2265Y.
Identifiers: ClinVar variation 1946278 (VCV001946278.7), dbSNP rs773880430, ClinGen allele CA3852180.